The following is an entry in ClinVar:

NM_000352.6(ABCC8):c.4657C>T (p.Arg1553Trp)

Gene: ABCC8 (ATP binding cassette subfamily C member 8; minus strand). Cytogenetic location: 11p15.1.
Variant type: single nucleotide variant.
Coding change: c.4657C>T on transcript NM_000352.6 (MANE Select); coding-DNA position 4657, C replaced by T.
Protein change: p.Arg1553Trp; replaces arginine 1553 with tryptophan.
Molecular consequence: missense variant. On other transcripts: non-coding transcript variant (1).
Genome position (GRCh38, 1-based): chr11:17,393,080, G>A on the plus strand (C>T on the coding strand, the complement: ABCC8 is on the minus strand). VCF-style: chr11-17393080-G-A. GRCh37 (hg19) VCF-style: chr11-17414627-G-A.
Other names: c.4660C>T, p.Arg1554Trp (NM_001287174.3); c.4723C>T, p.Arg1575Trp (NM_001351295.2); c.4657C>T, p.Arg1553Trp (NM_001351296.2); c.4654C>T, p.Arg1552Trp (NM_001351297.2); short protein forms R1552W, R1553W, R1554W, R1575W.
Identifiers: ClinVar variation 2146457 (VCV002146457.2), dbSNP rs763809892, ClinGen allele CA5902388.

ClinVar aggregate classification (germline): Uncertain significance. Review status: criteria provided, multiple submitters, no conflicts (2 of 4 stars). 2 submissions from 2 submitters: Uncertain significance (2). Last evaluated 2024-06-03.

Conditions:
Type 2 diabetes mellitus. Also called: Type II diabetes mellitus. Identifiers: MedGen C0011860, MeSH D003924, MONDO:0005148, OMIM 125853, HP:0005978.
Leucine-induced hypoglycemia (LIH). Also called: LEUCINE-SENSITIVE HYPOGLYCEMIA OF INFANCY. Identifiers: MedGen C0271714, MONDO:0009415, OMIM 240800.
Diabetes mellitus, permanent neonatal 3. Also called: ABCC8-Related Permanent Neonatal Diabetes Mellitus. Identifiers: MedGen C5394303, MONDO:0030088, OMIM 618857.
Diabetes mellitus, transient neonatal, 2 (TNDM2). Identifiers: Orphanet 99886, MedGen C1835887, MONDO:0012480, OMIM 610374. Disease mechanism: loss of function.
Hyperinsulinemic hypoglycemia, familial, 1 (HHF1). Also called: Persistent hyperinsulinemic hypoglycemia of infancy; HYPERINSULINISM, FAMILIAL, WITH PANCREATIC NESIDIOBLASTOSIS; HYPOGLYCEMIA, HYPERINSULINEMIC, OF INFANCY; NESIDIOBLASTOSIS OF PANCREAS; Persistent Hyperinsulinemia Hypoglycemia of Infancy. Identifiers: Orphanet 276575, Orphanet 276598, MedGen C2931832, MONDO:0009734, OMIM 256450.

Allele frequency attached by ClinVar (database versions not stated): gnomAD 0.00001; gnomAD exomes 0.00001; TOPMed 0.00001; ExAC 0.00002.
gnomAD v4.1: 11 of 1,613,956 alleles (0.00068%); highest among the groups gnomAD compares: South Asian, 0.0022%; no homozygotes.

Submissions (2):

Fulgent Genetics
Classification: Uncertain significance for Type 2 diabetes mellitus; Leucine-induced hypoglycemia; Hyperinsulinemic hypoglycemia, familial, 1; Diabetes mellitus, transient neonatal, 2; Diabetes mellitus, permanent neonatal 3. Last evaluated: 2024-06-03. Review status: criteria provided, single submitter. Criteria: ACMG Guidelines, 2015. Collection method: clinical testing. Allele origin: germline.

Labcorp Genetics (formerly Invitae), Labcorp
Classification: Uncertain significance. Last evaluated: 2022-07-19. Review status: criteria provided, single submitter. Criteria: Invitae Variant Classification Sherloc (09022015). Collection method: clinical testing. Allele origin: germline.
Comment: This sequence change replaces arginine, which is basic and polar, with tryptophan, which is neutral and slightly polar, at codon 1553 of the ABCC8 protein (p.Arg1553Trp). This variant is present in population databases (rs763809892, gnomAD 0.004%). This variant has not been reported in the literature in individuals affected with ABCC8-related conditions. Algorithms developed to predict the effect of missense changes on protein structure and function are either unavailable or do not agree on the potential impact of this missense change (SIFT: "Deleterious"; PolyPhen-2: "Possibly Damaging"; Align-GVGD: "Class C15"). In summary, the available evidence is currently insufficient to determine the role of this variant in disease. Therefore, it has been classified as a Variant of Uncertain Significance.